The following is an entry in ClinVar:

ClinVar aggregate classification (germline): Pathogenic/Likely pathogenic. Review status: criteria provided, multiple submitters, no conflicts (2 of 4 stars). 4 submissions from 4 submitters: Pathogenic (1); Likely pathogenic (3). Last evaluated 2024-05-02.

Conditions:
Epidermolysis bullosa, junctional 4, intermediate. Also called: Epidermolysis bullosa, junctional, localisata variant; EPIDERMOLYSIS BULLOSA, JUNCTIONAL 4, NON-HERLITZ TYPE; EPIDERMOLYSIS BULLOSA, GENERALIZED ATROPHIC BENIGN. Identifiers: MedGen C2608084, MONDO:0030750, OMIM 619787.
Epithelial recurrent erosion dystrophy (ERED). Also called: CORNEAL EROSIONS, RECURRING HEREDITARY. Identifiers: Orphanet 293381, MedGen C1852551, MONDO:0007381, OMIM 122400.

Submissions (4):

Fulgent Genetics
Classification: Likely pathogenic for Epithelial recurrent erosion dystrophy; Epidermolysis bullosa, junctional 4, intermediate. Last evaluated: 2024-05-02. Review status: criteria provided, single submitter. Criteria: ACMG Guidelines, 2015. Collection method: clinical testing. Allele origin: germline.

Labcorp Genetics (formerly Invitae), Labcorp
Classification: Likely pathogenic. Last evaluated: 2023-09-27. Review status: criteria provided, single submitter. Criteria: Invitae Variant Classification Sherloc (09022015). Collection method: clinical testing. Allele origin: germline.
Comment: This variant has not been reported in the literature in individuals affected with COL17A1-related conditions. This variant is present in population databases (rs760697124, gnomAD 0.02%). This sequence change affects a donor splice site in intron 23 of the COL17A1 gene. It is expected to disrupt RNA splicing. Variants that disrupt the donor or acceptor splice site typically lead to a loss of protein function (PMID: 16199547), and loss-of-function variants in COL17A1 are known to be pathogenic (PMID: 16473856, 17344927, 20301304, 21357940, 24319098). ClinVar contains an entry for this variant (Variation ID: 1322107). In summary, the currently available evidence indicates that the variant is pathogenic, but additional data are needed to prove that conclusively. Therefore, this variant has been classified as Likely Pathogenic. Algorithms developed to predict the effect of sequence changes on RNA splicing suggest that this variant may disrupt the consensus splice site.

Revvity Omics, Revvity
Classification: Pathogenic. Last evaluated: 2020-10-20. Review status: criteria provided, single submitter. Criteria: ACMG Guidelines, 2015. Collection method: clinical testing. Allele origin: germline.

Neuberg Centre For Genomic Medicine, NCGM
Classification: Likely pathogenic for Epidermolysis bullosa, junctional 4, intermediate. Review status: criteria provided, single submitter. Criteria: ACMG Guidelines, 2015. Collection method: clinical testing. Allele origin: germline. Inheritance: Autosomal recessive inheritance. Affected: yes.

Literature cited by the submitters: PubMed 16199547 (cited by Labcorp Genetics (formerly Invitae), Labcorp); PubMed 16473856 (cited by Labcorp Genetics (formerly Invitae), Labcorp); PubMed 17344927 (cited by Labcorp Genetics (formerly Invitae), Labcorp); PubMed 20301304 (cited by Labcorp Genetics (formerly Invitae), Labcorp); PubMed 21357940 (cited by Labcorp Genetics (formerly Invitae), Labcorp); PubMed 24319098 (cited by Labcorp Genetics (formerly Invitae), Labcorp).

NM_000494.4(COL17A1):c.1939+1G>C

Gene: COL17A1 (collagen type XVII alpha 1 chain; minus strand). Cytogenetic location: 10q25.1.
Variant type: single nucleotide variant.
Coding change: c.1939+1G>C on transcript NM_000494.4 (MANE Select); the canonical splice donor site of the intron after coding-DNA position 1939, G replaced by C.
Molecular consequence: splice donor variant.
Genome position (GRCh38, 1-based): chr10:104,053,030, C>G on the plus strand (G>C on the coding strand, the complement: COL17A1 is on the minus strand). VCF-style: chr10-104053030-C-G. GRCh37 (hg19) VCF-style: chr10-105812788-C-G.
Identifiers: ClinVar variation 1322107 (VCV001322107.8), dbSNP rs760697124, ClinGen allele CA5678808.
Genomic context (GRCh38, chr10:104,053,030, plus strand): 5'-TTGACAGAGAGAAGGAAGCACAGGCATAGCTAACTCTGCCGGTGAAGGAATTGCCTCTTA[C>G]CTCTTTCCCCTTTCTCTCCAGATCCAGGAGGCCCTGCCTCACCACGAGGTCCCATGGGGC-3'